The following is an entry in ClinVar:

NM_004006.3(DMD):c.3512A>C (p.Glu1171Ala)

Gene: DMD (dystrophin; minus strand). Cytogenetic location: Xp21.1.
Variant type: single nucleotide variant.
Coding change: c.3512A>C on transcript NM_004006.3 (MANE Select); coding-DNA position 3512, A replaced by C.
Protein change: p.Glu1171Ala; replaces glutamic acid 1171 with alanine.
Molecular consequence: missense variant.
Genome position (GRCh38, 1-based): chrX:32,454,753, T>G on the plus strand (A>C on the coding strand, the complement: DMD is on the minus strand). VCF-style: chrX-32454753-T-G. GRCh37 (hg19) VCF-style: chrX-32472870-T-G.
Other names: c.3488A>C, p.Glu1163Ala (NM_000109.4); c.3500A>C, p.Glu1167Ala (NM_004009.3); c.3143A>C, p.Glu1048Ala (NM_004010.3); short protein forms E1167A, E1171A, E1048A, E1163A.
Identifiers: ClinVar variation 1040849 (VCV001040849.5), dbSNP rs1569563277, ClinGen allele CA412663237.

ClinVar aggregate classification (germline): Conflicting classifications of pathogenicity. Review status: criteria provided, conflicting classifications (1 of 4 stars). 3 submissions from 3 submitters: Uncertain significance (1); Likely benign (1). 1 of the submissions does not count toward it. Last evaluated 2025-07-01.

Conditions:
Becker muscular dystrophy (BMD). Also called: Becker Muscular Dystrophy (BMD); MUSCULAR DYSTROPHY, PSEUDOHYPERTROPHIC PROGRESSIVE, BECKER TYPE. Identifiers: Orphanet 98895, MedGen C0917713, MONDO:0010311, OMIM 300376.
Duchenne muscular dystrophy (DMD). Also called: MUSCULAR DYSTROPHY, PSEUDOHYPERTROPHIC PROGRESSIVE, DUCHENNE TYPE; Duchenne Muscular Dystrophy (DMD). Identifiers: Orphanet 98896, MedGen C0013264, MONDO:0010679, OMIM 310200.
Dystrophin deficiency.
Cardiomyopathy (CMYO). Also called: Cardiomyopathies. Identifiers: Orphanet 167848, MedGen C0878544, MONDO:0004994, HP:0001638. Inheritance: Various modes of inheritance.

Allele frequency attached by ClinVar (database versions not stated): gnomAD exomes below 0.00001 and 0.00001.

Submissions (3):

Labcorp Genetics (formerly Invitae), Labcorp
Classification: Uncertain significance for Duchenne muscular dystrophy. Last evaluated: 2025-07-01. Review status: criteria provided, single submitter. Criteria: Invitae Variant Classification Sherloc (09022015). Collection method: clinical testing. Allele origin: germline.
Comment: This sequence change replaces glutamic acid, which is acidic and polar, with alanine, which is neutral and non-polar, at codon 1171 of the DMD protein (p.Glu1171Ala). This variant is not present in population databases (gnomAD no frequency). This variant has not been reported in the literature in individuals affected with DMD-related conditions. ClinVar contains an entry for this variant (Variation ID: 1040849). Invitae Evidence Modeling of protein sequence and biophysical properties (such as structural, functional, and spatial information, amino acid conservation, physicochemical variation, residue mobility, and thermodynamic stability) indicates that this missense variant is not expected to disrupt DMD protein function with a negative predictive value of 95%. In summary, the available evidence is currently insufficient to determine the role of this variant in disease. Therefore, it has been classified as a Variant of Uncertain Significance.

Blueprint Genetics
Classification: Likely benign. Last evaluated: 2021-03-29. Review status: criteria provided, single submitter. Criteria: ACMG Guidelines, 2015. Collection method: clinical testing. Allele origin: germline.

Natera, Inc.
Classification: Uncertain significance for Becker muscular dystrophy; Cardiomyopathy; Duchenne muscular dystrophy; Dystrophin deficiency. Last evaluated: 2019-09-11. Review status: no assertion criteria provided. Collection method: clinical testing. Allele origin: germline. Not counted in ClinVar's aggregate classification.